The following is an entry in ClinVar:

NM_001999.4(FBN2):c.7445C>T (p.Thr2482Ile)

Gene: FBN2 (fibrillin 2; minus strand). Cytogenetic location: 5q23.3.
Variant type: single nucleotide variant.
Coding change: c.7445C>T on transcript NM_001999.4 (MANE Select); coding-DNA position 7445, C replaced by T.
Protein change: p.Thr2482Ile; replaces threonine 2482 with isoleucine.
Molecular consequence: missense variant.
Genome position (GRCh38, 1-based): chr5:128,277,906, G>A on the plus strand (C>T on the coding strand, the complement: FBN2 is on the minus strand). VCF-style: chr5-128277906-G-A. GRCh37 (hg19) VCF-style: chr5-127613598-G-A.
Other names: short protein forms T2482I.
Identifiers: ClinVar variation 1702803 (VCV001702803.2), dbSNP rs2126808771, ClinGen allele CA360754295.

ClinVar aggregate classification (germline): Uncertain significance (1 of 4 stars; one submission).

Allele frequency attached by ClinVar (database versions not stated): gnomAD exomes below 0.00001.
gnomAD v4.1: 1 of 1,614,146 alleles (0.000062%); highest among the groups gnomAD compares: Non-Finnish European, 0.000085%; no homozygotes.

Submission:

GeneDx
Classification: Uncertain significance. Last evaluated: 2022-02-16. Review status: criteria provided, single submitter. Criteria: GeneDx Variant Classification Process June 2021. Collection method: clinical testing. Allele origin: germline. Affected: yes.
Comment: Has not been previously published as pathogenic or benign to our knowledge; Not observed at significant frequency in large population cohorts (gnomAD); In silico analysis supports that this missense variant does not alter protein structure/function; Although located in a calcium-binding EGF-like domain of the FBN2 gene, it does not affect a cysteine residue within this domain; cysteine substitutions in the calcium-binding EGF-like domains represent the majority of pathogenic missense changes associated with FBN2-related disorders (Frdric et al., 2009)